The following is an entry in ClinVar:

NM_000027.4(AGA):c.538G>A (p.Gly180Arg)

Gene: AGA (aspartylglucosaminidase; minus strand). Cytogenetic location: 4q34.3.
Variant type: single nucleotide variant.
Coding change: c.538G>A on transcript NM_000027.4 (MANE Select); coding-DNA position 538, G replaced by A.
Protein change: p.Gly180Arg; replaces glycine 180 with arginine.
Molecular consequence: missense variant. On other transcripts: non-coding transcript variant (1).
Genome position (GRCh38, 1-based): chr4:177,437,489, C>T on the plus strand (G>A on the coding strand, the complement: AGA is on the minus strand). VCF-style: chr4-177437489-C-T. GRCh37 (hg19) VCF-style: chr4-178358643-C-T.
Other names: c.538G>A, p.Gly180Arg (NM_001171988.2); short protein forms G180R.
Identifiers: ClinVar variation 92309 (VCV000092309.49), dbSNP rs373865451, ClinGen allele CA220246.

ClinVar aggregate classification (germline): Uncertain significance. Review status: criteria provided, multiple submitters, no conflicts (2 of 4 stars). 4 submissions from 4 submitters: Uncertain significance (3). 1 of the submissions does not count toward it. Last evaluated 2022-02-25.

Conditions:
Aspartylglucosaminuria (AGU). Also called: GLYCOASPARAGINASE; GLYCOSYLASPARAGINASE DEFICIENCY; Aspartylglucos-aminuria; Aspartylglucos-amidase (AGA) deficiency; AGA DEFICIENCY. Identifiers: Orphanet 93, MedGen C0268225, MONDO:0008830, OMIM 208400, HP:0012068.

Allele frequency attached by ClinVar (database versions not stated): gnomAD exomes 0.00002 and 0.00006; TOPMed 0.00005; ESP Exome Variant Server 0.00008; gnomAD 0.00004; ExAC 0.00006.
gnomAD v4.1: 36 of 1,611,990 alleles (0.0022%); highest among the groups gnomAD compares: Middle Eastern, 0.016%; no homozygotes.

Submissions (4):

Labcorp Genetics (formerly Invitae), Labcorp
Classification: Uncertain significance for Aspartylglucosaminuria. Last evaluated: 2022-02-25. Review status: criteria provided, single submitter. Criteria: Invitae Variant Classification Sherloc (09022015). Collection method: clinical testing. Allele origin: germline.
Comment: This sequence change replaces glycine, which is neutral and non-polar, with arginine, which is basic and polar, at codon 180 of the AGA protein (p.Gly180Arg). This variant is present in population databases (rs373865451, gnomAD 0.02%). This variant has not been reported in the literature in individuals affected with AGA-related conditions. ClinVar contains an entry for this variant (Variation ID: 92309). Algorithms developed to predict the effect of missense changes on protein structure and function are either unavailable or do not agree on the potential impact of this missense change (SIFT: "Deleterious"; PolyPhen-2: "Probably Damaging"; Align-GVGD: "Class C15"). Algorithms developed to predict the effect of sequence changes on RNA splicing suggest that this variant may create or strengthen a splice site. In summary, the available evidence is currently insufficient to determine the role of this variant in disease. Therefore, it has been classified as a Variant of Uncertain Significance.

CeGaT Center for Human Genetics Tuebingen
Classification: Uncertain significance. Last evaluated: 2016-09-01. Review status: criteria provided, single submitter. Criteria: CeGaT Center For Human Genetics Tuebingen Variant Classification Criteria Version 2. Collection method: clinical testing. Allele origin: germline. Affected: yes. Observed: 1 variant allele.

Eurofins Ntd Llc (ga)
Classification: Uncertain significance. Last evaluated: 2012-12-12. Review status: criteria provided, single submitter. Criteria: EGL Classification Definitions 2015. Collection method: clinical testing. Allele origin: germline. Observed: 1 variant allele, 1 heterozygote.

Natera, Inc.
Classification: Uncertain significance for Aspartylglucosaminuria. Last evaluated: 2020-04-16. Review status: no assertion criteria provided. Collection method: clinical testing. Allele origin: germline. Not counted in ClinVar's aggregate classification.